The following is an entry in ClinVar:

ClinVar aggregate classification (germline): Pathogenic (1 of 4 stars; one submission).

Submission:

Labcorp Genetics (formerly Invitae), Labcorp
Classification: Pathogenic. Last evaluated: 2023-07-31. Review status: criteria provided, single submitter. Criteria: Invitae Variant Classification Sherloc (09022015). Collection method: clinical testing. Allele origin: germline.
Comment: This sequence change creates a premature translational stop signal (p.Ala54Cysfs*78) in the SLC45A2 gene. It is expected to result in an absent or disrupted protein product. Loss-of-function variants in SLC45A2 are known to be pathogenic (PMID: 21458243, 26573111). This variant is not present in population databases (gnomAD no frequency). This variant has not been reported in the literature in individuals affected with SLC45A2-related conditions. For these reasons, this variant has been classified as Pathogenic.

Literature cited by the submitters: PubMed 21458243; PubMed 26573111.

NM_016180.5(SLC45A2):c.160_164del (p.Ala54fs)

Gene: SLC45A2 (solute carrier family 45 member 2; minus strand). Cytogenetic location: 5p13.2.
Variant type: Deletion.
Coding change: c.160_164del on transcript NM_016180.5 (MANE Select); coding-DNA positions 160 to 164, 5 bases deleted (GCGTA; older notation c.160_164delGCGTA).
Protein change: p.Ala54fs; shifts the reading frame from alanine 54.
Molecular consequence: frameshift variant.
Genome position (GRCh38, 1-based): chr5:33,984,420-33,984,424, TACGC deleted on the plus strand (GCGTA on the coding strand, the reverse complement: SLC45A2 is on the minus strand); deleting any 5 consecutive bases within chr5:33,984,420-33,984,425 gives the same sequence; the c. name uses the placement nearest the transcript's 3' end. VCF-style (leftmost placement, unchanged base first): chr5-33984419-ATACGC-A. GRCh37 (hg19) VCF-style: chr5-33984524-ATACGC-A.
Other names: c.160_164del, p.Ala54fs (NM_001012509.4, NM_001297417.4); short protein forms A54fs.
Identifiers: ClinVar variation 2742936 (VCV002742936.3), dbSNP rs2478924297, ClinGen allele CA2697547109.